The following is an entry in ClinVar:

ClinVar aggregate classification (germline): Uncertain significance. Review status: criteria provided, multiple submitters, no conflicts (2 of 4 stars). 3 submissions from 3 submitters: Uncertain significance (2). 1 of the submissions does not count toward it. Last evaluated 2021-08-28.

Conditions:
Deficiency of acetyl-CoA acetyltransferase. Also called: MITOCHONDRIAL ACETOACETYL-CoA THIOLASE DEFICIENCY; Beta-ketothiolase deficiency; 3-KETOTHIOLASE DEFICIENCY; 3-OXOTHIOLASE DEFICIENCY. Identifiers: Orphanet 134, MedGen C1536500, MONDO:0008760, OMIM 203750. Disease mechanism: loss of function.
Inborn genetic diseases. Identifiers: MedGen C0950123, MeSH D030342.

Allele frequency attached by ClinVar (database versions not stated): ExAC below 0.00001; gnomAD 0.00005; TOPMed 0.00005; gnomAD exomes 0.00006; 1000 Genomes Project 30x 0.00016.
gnomAD v4.1: 36 of 1,550,422 alleles (0.0023%); highest among the groups gnomAD compares: Admixed American, 0.0098%; no homozygotes.

Submissions (3):

Labcorp Genetics (formerly Invitae), Labcorp
Classification: Uncertain significance for Deficiency of acetyl-CoA acetyltransferase. Last evaluated: 2021-08-28. Review status: criteria provided, single submitter. Criteria: Invitae Variant Classification Sherloc (09022015). Collection method: clinical testing. Allele origin: germline.
Comment: This sequence change replaces alanine with threonine at codon 12 of the ACAT1 protein (p.Ala12Thr). The alanine residue is weakly conserved and there is a small physicochemical difference between alanine and threonine. The frequency data for this variant in the population databases is considered unreliable, as metrics indicate poor data quality at this position in the ExAC database. This variant has not been reported in the literature in individuals affected with ACAT1-related conditions. Algorithms developed to predict the effect of missense changes on protein structure and function (SIFT, PolyPhen-2, Align-GVGD) all suggest that this variant is likely to be tolerated. In summary, the available evidence is currently insufficient to determine the role of this variant in disease. Therefore, it has been classified as a Variant of Uncertain Significance.

Ambry Genetics
Classification: Uncertain significance for Inborn genetic diseases. Last evaluated: 2021-01-05. Review status: criteria provided, single submitter. Criteria: Ambry Variant Classification Scheme 2023. Collection method: clinical testing. Allele origin: germline.
Comment: The c.34G>A (p.A12T) alteration is located in exon 1 (coding exon 1) of the ACAT1 gene. This alteration results from a G to A substitution at nucleotide position 34, causing the alanine (A) at amino acid position 12 to be replaced by a threonine (T). The p.A12T alteration is predicted to be tolerated by in silico analysis. Based on insufficient or conflicting evidence, the clinical significance of this alteration remains unclear.

Natera, Inc.
Classification: Uncertain significance for Alpha-methylacetoacetic aciduria. Last evaluated: 2020-03-11. Review status: no assertion criteria provided. Collection method: clinical testing. Allele origin: germline. Not counted in ClinVar's aggregate classification.

NM_000019.4(ACAT1):c.34G>A (p.Ala12Thr)

Gene: ACAT1 (acetyl-CoA acetyltransferase 1; plus strand). Cytogenetic location: 11q22.3.
Variant type: single nucleotide variant.
Coding change: c.34G>A on transcript NM_000019.4 (MANE Select); coding-DNA position 34, G replaced by A.
Protein change: p.Ala12Thr; replaces alanine 12 with threonine.
Molecular consequence: missense variant.
Genome position (GRCh38, 1-based): chr11:108,121,640, G>A. VCF-style: chr11-108121640-G-A. GRCh37 (hg19) VCF-style: chr11-107992367-G-A.
Other names: short protein forms A12T.
Identifiers: ClinVar variation 968668 (VCV000968668.8), dbSNP rs764674778, ClinGen allele CA6262984.